The following is an entry in ClinVar:

NM_139076.3(ABRAXAS1):c.371A>G (p.His124Arg)

Gene: ABRAXAS1 (abraxas 1, BRCA1 A complex subunit; minus strand). Cytogenetic location: 4q21.23.
Variant type: single nucleotide variant.
Coding change: c.371A>G on transcript NM_139076.3 (MANE Select); coding-DNA position 371, A replaced by G.
Protein change: p.His124Arg; replaces histidine 124 with arginine.
Molecular consequence: missense variant.
Genome position (GRCh38, 1-based): chr4:83,470,308, T>C on the plus strand (A>G on the coding strand, the complement: ABRAXAS1 is on the minus strand). VCF-style: chr4-83470308-T-C. GRCh37 (hg19) VCF-style: chr4-84391461-T-C.
Other names: c.44A>G, p.His15Arg (NM_001345962.2); short protein forms H124R, H15R.
Identifiers: ClinVar variation 1799966 (VCV001799966.3), dbSNP rs955018036, ClinGen allele CA100684749.

ClinVar aggregate classification (germline): Uncertain significance (1 of 4 stars; one submission).

Submission:

Ambry Genetics
Classification: Uncertain significance. Last evaluated: 2025-01-28. Review status: criteria provided, single submitter. Criteria: Ambry Variant Classification Scheme 2023. Collection method: clinical testing. Allele origin: germline.
Comment: The p.H124R variant (also known as c.371A>G), located in coding exon 5 of the FAM175A gene, results from an A to G substitution at nucleotide position 371. The histidine at codon 124 is replaced by arginine, an amino acid with highly similar properties. This amino acid position is conserved. In addition, this alteration is predicted to be tolerated by in silico analysis. Since supporting evidence is limited at this time, the clinical significance of this alteration remains unclear.